The following is an entry in ClinVar:

ClinVar aggregate classification (germline): Uncertain significance (1 of 4 stars; one submission).

Submission:

CeGaT Center for Human Genetics Tuebingen
Classification: Uncertain significance. Last evaluated: 2026-06-01. Review status: criteria provided, single submitter. Criteria: CeGaT Center For Human Genetics Tuebingen Variant Classification Criteria Version 2. Collection method: clinical testing. Allele origin: germline. Affected: yes. Observed: 1 variant allele.
Comment: NEXMIF: PM2

NM_001008537.3(NEXMIF):c.4340T>G (p.Leu1447Trp)

Gene: NEXMIF (neurite extension and migration factor; minus strand). Cytogenetic location: Xq13.3.
Variant type: single nucleotide variant.
Coding change: c.4340T>G on transcript NM_001008537.3 (MANE Select); coding-DNA position 4340, T replaced by G.
Protein change: p.Leu1447Trp; replaces leucine 1447 with tryptophan.
Molecular consequence: missense variant.
Genome position (GRCh38, 1-based): chrX:74,740,217, A>C on the plus strand (T>G on the coding strand, the complement: NEXMIF is on the minus strand). VCF-style: chrX-74740217-A-C. GRCh37 (hg19) VCF-style: chrX-73960052-A-C.
Other names: short protein forms L1447W.
Identifiers: ClinVar variation 4875092 (VCV004875092.2).